The following is an entry in ClinVar:

ClinVar aggregate classification (germline): Likely benign (1 of 4 stars; one submission).

Submission:

GeneDx
Classification: Likely benign. Last evaluated: 2023-10-11. Review status: criteria provided, single submitter. Criteria: GeneDx Variant Classification Process June 2021. Collection method: clinical testing. Allele origin: germline. Affected: yes.
Comment: See Variant Classification Assertion Criteria.

NM_001379200.1(TBX1):c.936-9_936-8delinsT

Gene: TBX1 (T-box transcription factor 1; plus strand). Cytogenetic location: 22q11.21.
Variant type: Indel.
Coding change: c.936-9_936-8delinsT on transcript NM_001379200.1 (MANE Select); 9 bases into the intron before coding-DNA position 936 through 8 bases into the intron before coding-DNA position 936, CG replaced by T.
Molecular consequence: intron variant.
Genome position (GRCh38, 1-based): chr22:19,765,893-19,765,894, CG replaced by T. VCF-style: chr22-19765893-CG-T. GRCh37 (hg19) VCF-style: chr22-19753416-CG-T.
Other names: c.909-9_909-8delinsT (NM_005992.1, NM_080646.2, NM_080647.1).
Identifiers: ClinVar variation 1205453 (VCV001205453.6), dbSNP rs2145836809, ClinGen allele CA2499226015.
Genomic context (GRCh38, chr22:19,765,893, plus strand): 5'-TCCTCCCCCGAGAGAGTGAGCGCCGGGCGCCTGGCGCAGGCGCCGCCCTGATCCGCCTCC[CG>T]CCCGCAGGCCCCGGAACCACCGGCCCGGCGCACTGCCGCTCATGAGCGCCTTCGCGCGCT-3'